The following is an entry in ClinVar:

ClinVar aggregate classification (germline): Benign (0 of 4 stars; one submission).

Conditions:
AMZ2-related disorder. Also called: AMZ2-related condition.

Allele frequency attached by ClinVar (database versions not stated): ExAC 0.71802; gnomAD 0.75314; ESP Exome Variant Server 0.75873; TOPMed 0.77672; 1000 Genomes Project 0.79792; 1000 Genomes Project 30x 0.80153.
gnomAD v4.1: 1,114,156 of 1,614,014 alleles (69%); highest among the groups gnomAD compares: African/African-American, 93%; 388,871 homozygotes.

Submission:

PreventionGenetics, part of Exact Sciences
Classification: Benign for AMZ2-related condition. Last evaluated: 2019-10-17. Review status: no assertion criteria provided. Collection method: clinical testing. Allele origin: germline.
Comment: This variant is classified as benign based on ACMG/AMP sequence variant interpretation guidelines (Richards et al. 2015 PMID: 25741868, with internal and published modifications).

NM_016627.5(AMZ2):c.88A>G (p.Asn30Asp)

Gene: AMZ2 (archaelysin family metallopeptidase 2; plus strand). Cytogenetic location: 17q24.2.
Variant type: single nucleotide variant.
Coding change: c.88A>G on transcript NM_016627.5 (MANE Select); coding-DNA position 88, A replaced by G.
Protein change: p.Asn30Asp; replaces asparagine 30 with aspartic acid.
Molecular consequence: missense variant. On other transcripts: 5 prime UTR variant (4), non-coding transcript variant (2), intron variant (1).
Genome position (GRCh38, 1-based): chr17:68,250,275, A>G. VCF-style: chr17-68250275-A-G. GRCh37 (hg19) VCF-style: chr17-66246416-A-G.
Other names: c.88A>G, p.Asn30Asp (NM_001033569.2, NM_001033570.2, NM_001033571.1 and 14 more transcripts); c.-25A>G (NM_001346481.1, NM_001346482.1, NM_001346483.2 and 1 more transcripts); c.5-85A>G (NM_001346485.2); short protein forms N30D.
Identifiers: ClinVar variation 3059188 (VCV003059188.2), dbSNP rs3213690, ClinGen allele CA8727459.